The following is an entry in ClinVar:

ClinVar aggregate classification (germline): Uncertain significance (1 of 4 stars; one submission).

Submission:

Labcorp Genetics (formerly Invitae), Labcorp
Classification: Uncertain significance. Last evaluated: 2025-06-04. Review status: criteria provided, single submitter. Criteria: Invitae Variant Classification Sherloc (09022015). Collection method: clinical testing. Allele origin: germline.
Comment: This sequence change replaces histidine, which is basic and polar, with leucine, which is neutral and non-polar, at codon 254 of the CTDP1 protein (p.His254Leu). This variant is not present in population databases (gnomAD no frequency). This variant has not been reported in the literature in individuals affected with CTDP1-related conditions. ClinVar contains an entry for this variant (Variation ID: 3725117). An algorithm developed to predict the effect of missense changes on protein structure and function (PolyPhen-2) suggests that this variant is likely to be disruptive. In summary, the available evidence is currently insufficient to determine the role of this variant in disease. Therefore, it has been classified as a Variant of Uncertain Significance.

NM_004715.5(CTDP1):c.761A>T (p.His254Leu)

Gene: CTDP1 (CTD phosphatase subunit 1; plus strand). Cytogenetic location: 18q23.
Variant type: single nucleotide variant.
Coding change: c.761A>T on transcript NM_004715.5 (MANE Select); coding-DNA position 761, A replaced by T.
Protein change: p.His254Leu; replaces histidine 254 with leucine.
Molecular consequence: missense variant.
Genome position (GRCh38, 1-based): chr18:79,704,906, A>T. VCF-style: chr18-79704906-A-T. GRCh37 (hg19) VCF-style: chr18-77464906-A-T.
Other names: c.404A>T, p.His135Leu (NM_001202504.1); c.761A>T, p.His254Leu (NM_001318511.2, NM_048368.4); short protein forms H254L, H135L.
Identifiers: ClinVar variation 3725117 (VCV003725117.2).